The following is an entry in ClinVar:

ClinVar aggregate classification (germline): Pathogenic/Likely pathogenic. Review status: criteria provided, multiple submitters, no conflicts (2 of 4 stars). 2 submissions from 2 submitters: Pathogenic (1); Likely pathogenic (1). Last evaluated 2024-05-15.

Conditions:
Multiple sulfatase deficiency (MSD). Also called: Multiple Sulfatase Deficiency Disease; Sulfatidosis, Juvenile, Austin Type; Mucosulfatidosis. Identifiers: Orphanet 585, MedGen C0268263, MONDO:0010088, OMIM 272200.

Allele frequency attached by ClinVar (database versions not stated): TOPMed below 0.00001.

Submissions (2):

Fulgent Genetics
Classification: Likely pathogenic for Multiple sulfatase deficiency. Last evaluated: 2024-05-15. Review status: criteria provided, single submitter. Criteria: ACMG Guidelines, 2015. Collection method: clinical testing. Allele origin: germline.

Labcorp Genetics (formerly Invitae), Labcorp
Classification: Pathogenic for Multiple sulfatase deficiency. Last evaluated: 2020-01-31. Review status: criteria provided, single submitter. Criteria: Invitae Variant Classification Sherloc (09022015). Collection method: clinical testing. Allele origin: germline.
Comment: For these reasons, this variant has been classified as Pathogenic. Loss-of-function variants in SUMF1 are known to be pathogenic (PMID: 12757705, 12757706, 25885655). This variant has not been reported in the literature in individuals with SUMF1-related conditions. This variant is not present in population databases (ExAC no frequency). This sequence change creates a premature translational stop signal (p.Gln171*) in the SUMF1 gene. It is expected to result in an absent or disrupted protein product.

Literature cited by the submitters: PubMed 12757705 (cited by Labcorp Genetics (formerly Invitae), Labcorp); PubMed 12757706 (cited by Labcorp Genetics (formerly Invitae), Labcorp); PubMed 25885655 (cited by Labcorp Genetics (formerly Invitae), Labcorp).

NM_182760.4(SUMF1):c.511C>T (p.Gln171Ter)

Gene: SUMF1 (sulfatase modifying factor 1; minus strand). Cytogenetic location: 3p26.1.
Variant type: single nucleotide variant.
Coding change: c.511C>T on transcript NM_182760.4 (MANE Select); coding-DNA position 511, C replaced by T.
Protein change: p.Gln171Ter; replaces glutamine 171 with a stop codon.
Molecular consequence: nonsense. On other transcripts: intron variant (1).
Genome position (GRCh38, 1-based): chr3:4,449,274, G>A on the plus strand (C>T on the coding strand, the complement: SUMF1 is on the minus strand). VCF-style: chr3-4449274-G-A. GRCh37 (hg19) VCF-style: chr3-4490958-G-A.
Other names: c.511C>T, p.Gln171Ter (NM_001164675.2); c.444+3602C>T (NM_001164674.2); short protein forms Q171*.
Identifiers: ClinVar variation 1076175 (VCV001076175.6), dbSNP rs1702887095, ClinGen allele CA351792904.